The following is an entry in ClinVar:

NM_005677.4(COLQ):c.1228C>A (p.Arg410=)

Gene: COLQ (collagen like tail subunit of asymmetric acetylcholinesterase; minus strand). Cytogenetic location: 3p25.1.
Variant type: single nucleotide variant.
Coding change: c.1228C>A on transcript NM_005677.4 (MANE Select); coding-DNA position 1228, C replaced by A.
Protein change: p.Arg410=; no amino-acid change (arginine 410 retained).
Molecular consequence: synonymous variant.
Genome position (GRCh38, 1-based): chr3:15,453,899, G>T on the plus strand (C>A on the coding strand, the complement: COLQ is on the minus strand). VCF-style: chr3-15453899-G-T. GRCh37 (hg19) VCF-style: chr3-15495406-G-T.
Other names: c.1198C>A, p.Arg400= (NM_080538.2); c.1126C>A, p.Arg376= (NM_080539.4).
Identifiers: ClinVar variation 3233577 (VCV003233577.2), dbSNP rs139574075, ClinGen allele CA2275822.
Genomic context (GRCh38, chr3:15,453,899, plus strand): 5'-AGGTCTCGCATGTCAGGTAGCCAAAGTCAGAGCCGTCACAGTCCTCCACACCCTCATGCC[G>T]GTGACCATCTCCACAGTAGGCACGGTGACAGCCTGAGGGGACATAAGGAGGTGCAGTCTT-3'
Protein context (NP_005668.2, residues 400-420): CHRAYCGDGH[Arg410=]HEGVEDCDGS

ClinVar aggregate classification (germline): Likely benign (1 of 4 stars; one submission).

gnomAD v4.1: 3 of 1,611,068 alleles (0.00019%); highest among the groups gnomAD compares: Non-Finnish European, 0.00017%; no homozygotes.

Submission:

Women's Health and Genetics/Laboratory Corporation of America, LabCorp
Classification: Likely benign. Last evaluated: 2024-03-08. Review status: criteria provided, single submitter. Criteria: LabCorp Variant Classification Summary - May 2015. Collection method: clinical testing. Allele origin: germline.
Comment: Variant summary: COLQ c.1228C>A alters a conserved nucleotide resulting in a synonymous change. Consensus agreement among computation tools predict no significant impact on normal splicing. However, these predictions have yet to be confirmed by functional studies. The frequency data for this variant in gnomAD is considered unreliable, as metrics indicate poor data quality at this position. To our knowledge, no occurrence of c.1228C>A in individuals affected with Congenital Myasthenic Syndrome and no experimental evidence demonstrating its impact on protein function have been reported. No submitters have cited clinical-significance assessments for this variant to ClinVar. Based on the evidence outlined above, the variant was classified as likely benign.